The following is an entry in ClinVar:

ClinVar aggregate classification (germline): Uncertain significance (1 of 4 stars; one submission).

Submission:

GeneDx
Classification: Uncertain significance. Last evaluated: 2024-06-11. Review status: criteria provided, single submitter. Criteria: GeneDx Variant Classification Process June 2021. Collection method: clinical testing. Allele origin: germline. Affected: yes.
Comment: Not observed at significant frequency in large population cohorts (gnomAD); In silico analysis indicates that this missense variant does not alter protein structure/function; Has not been previously published as pathogenic or benign to our knowledge

NM_015100.4(POGZ):c.2657C>T (p.Thr886Ile)

Gene: POGZ (pogo transposable element derived with ZNF domain; minus strand). Cytogenetic location: 1q21.3.
Variant type: single nucleotide variant.
Coding change: c.2657C>T on transcript NM_015100.4 (MANE Select); coding-DNA position 2657, C replaced by T.
Protein change: p.Thr886Ile; replaces threonine 886 with isoleucine.
Molecular consequence: missense variant.
Genome position (GRCh38, 1-based): chr1:151,406,378, G>A on the plus strand (C>T on the coding strand, the complement: POGZ is on the minus strand). VCF-style: chr1-151406378-G-A. GRCh37 (hg19) VCF-style: chr1-151378854-G-A.
Other names: c.2630C>T, p.Thr877Ile (NM_001194937.2); c.2471C>T, p.Thr824Ile (NM_001194938.2); c.2678C>T, p.Thr893Ile (NM_001410860.1); c.2372C>T, p.Thr791Ile (NM_145796.4); c.2498C>T, p.Thr833Ile (NM_207171.2); short protein forms T791I, T824I, T833I, T877I, T886I, T893I.
Identifiers: ClinVar variation 3390431 (VCV003390431.1).
Genomic context (GRCh38, chr1:151,406,378, plus strand): 5'-GGGGCTAAGGGAGTTAGTAGCTCTTCAGGCTCAGCTGGGGTGGCCCCCGCAGATTTCACA[G>A]TGGCAGCTTTGTTAGTGGGGAAGGAAGGAGGAGGGTACATATTCTTCACGTTCCGGTCAT-3'
Protein context (NP_055915.2, residues 876-896): PPSFPTNKAA[Thr886Ile]VKSAGATPAE